The following is an entry in ClinVar:

ClinVar aggregate classification (germline): Benign (1 of 4 stars; one submission).

Conditions:
Doyne honeycomb retinal dystrophy (DHRD). Also called: DOYNE HONEYCOMB DEGENERATION OF RETINA; MALATTIA LEVENTINESE; DRUSEN, RADIAL, AUTOSOMAL DOMINANT. Identifiers: Orphanet 75376, MedGen C1832174, MONDO:0007471, OMIM 126600.

Allele frequency attached by ClinVar (database versions not stated): gnomAD 0.00001 and 0.00003; TOPMed 0.00003; 1000 Genomes Project 30x 0.00031; 1000 Genomes Project 0.00040.

Submission:

Illumina Laboratory Services, Illumina
Classification: Benign for Doyne honeycomb retinal dystrophy. Last evaluated: 2018-01-13. Review status: criteria provided, single submitter. Criteria: ICSL Variant Classification Criteria 13 December 2019. Collection method: clinical testing. Allele origin: germline.
Comment: This variant was observed in the ICSL laboratory as part of a predisposition screen in an ostensibly healthy population. It had not been previously curated by ICSL or reported in the Human Gene Mutation Database (HGMD: prior to June 1st, 2018), and was therefore a candidate for classification through an automated scoring system. Utilizing variant allele frequency, disease prevalence and penetrance estimates, and inheritance mode, an automated score was calculated to assess if this variant is too frequent to cause the disease. Based on the score and internal cut-off values, a variant classified as benign is not then subjected to further curation. The score for this variant resulted in a classification of benign for this disease.

NM_001039348.3(EFEMP1):c.*695T>C

Gene: EFEMP1 (EGF-like fibulin extracellular matrix protein 1; minus strand). Cytogenetic location: 2p16.1.
Variant type: single nucleotide variant.
Coding change: c.*695T>C on transcript NM_001039348.3 (MANE Select); 695 bases downstream of the stop codon, T replaced by C.
Molecular consequence: 3 prime UTR variant.
Genome position (GRCh38, 1-based): chr2:55,866,378, A>G on the plus strand (T>C on the coding strand, the complement: EFEMP1 is on the minus strand). VCF-style: chr2-55866378-A-G. GRCh37 (hg19) VCF-style: chr2-56093513-A-G.
Other names: c.*695T>C (NM_001039349.3).
Identifiers: ClinVar variation 336612 (VCV000336612.5), dbSNP rs3791680, ClinGen allele CA10614166.
Genomic context (GRCh38, chr2:55,866,378, plus strand): 5'-TCTTCAGGTCAGTTCCAATGTGGTTTAGAAGGAATTTATTTTCTCATATCCTCCCCATAG[A>G]TTTCTCAATAGTATAATTTTCTAGGGGATATCTGGTTCATTTTGGGAATTCTGGAAAATT-3'